The following is an entry in ClinVar:

ClinVar aggregate classification (germline): Uncertain significance. Review status: criteria provided, multiple submitters, no conflicts (2 of 4 stars). 2 submissions from 2 submitters: Uncertain significance (2). Last evaluated 2022-08-23.

Allele frequency attached by ClinVar (database versions not stated): gnomAD 0.00009; gnomAD exomes 0.00012; TOPMed 0.00012; ExAC 0.00018; 1000 Genomes Project 0.00020; 1000 Genomes Project 30x 0.00031.
gnomAD v4.1: 141 of 1,606,844 alleles (0.0088%); highest among the groups gnomAD compares: Middle Eastern, 0.2%; 2 homozygotes.

Submissions (2):

Labcorp Genetics (formerly Invitae), Labcorp
Classification: Uncertain significance. Last evaluated: 2022-08-23. Review status: criteria provided, single submitter. Criteria: Invitae Variant Classification Sherloc (09022015). Collection method: clinical testing. Allele origin: germline.
Comment: This sequence change replaces arginine, which is basic and polar, with glutamine, which is neutral and polar, at codon 42 of the C1QA protein (p.Arg42Gln). This variant is present in population databases (rs201693493, gnomAD 0.02%). This variant has not been reported in the literature in individuals affected with C1QA-related conditions. ClinVar contains an entry for this variant (Variation ID: 1057187). Algorithms developed to predict the effect of missense changes on protein structure and function (SIFT, PolyPhen-2, Align-GVGD) all suggest that this variant is likely to be tolerated. In summary, the available evidence is currently insufficient to determine the role of this variant in disease. Therefore, it has been classified as a Variant of Uncertain Significance.

Breakthrough Genomics
Classification: Uncertain significance. Review status: criteria provided, single submitter. Criteria: ACMG Guidelines, 2015. Collection method: not provided. Allele origin: germline. Inheritance: Autosomal recessive inheritance. Affected: yes.

NM_015991.4(C1QA):c.125G>A (p.Arg42Gln)

Gene: C1QA (complement C1q A chain; plus strand). Cytogenetic location: 1p36.12.
Variant type: single nucleotide variant.
Coding change: c.125G>A on transcript NM_015991.4 (MANE Select); coding-DNA position 125, G replaced by A.
Protein change: p.Arg42Gln; replaces arginine 42 with glutamine.
Molecular consequence: missense variant.
Genome position (GRCh38, 1-based): chr1:22,637,741, G>A. VCF-style: chr1-22637741-G-A. GRCh37 (hg19) VCF-style: chr1-22964234-G-A.
Other names: c.125G>A, p.Arg42Gln (NM_001347465.2, NM_001347466.2); short protein forms R42Q.
Identifiers: ClinVar variation 1057187 (VCV001057187.7), dbSNP rs201693493, ClinGen allele CA677719.
Genomic context (GRCh38, chr1:22,637,741, plus strand): 5'-CCGAGGACTTGTGCCGAGCACCAGACGGGAAGAAAGGGGAGGCAGGAAGACCTGGCAGAC[G>A]GGGGCGGCCAGGCCTCAAGGGGGAGCAAGGGGAGCCGGGTAAGCACCCTTCCTCGGGACC-3'
Protein context (NP_057075.1, residues 32-52): KKGEAGRPGR[Arg42Gln]GRPGLKGEQG